The following is an entry in ClinVar:

NM_004519.4(KCNQ3):c.148G>C (p.Val50Leu)

Gene: KCNQ3 (potassium voltage-gated channel subfamily Q member 3; minus strand). Cytogenetic location: 8q24.22.
Variant type: single nucleotide variant.
Coding change: c.148G>C on transcript NM_004519.4 (MANE Select); coding-DNA position 148, G replaced by C.
Protein change: p.Val50Leu; replaces valine 50 with leucine.
Molecular consequence: missense variant.
Genome position (GRCh38, 1-based): chr8:132,480,385, C>G on the plus strand (G>C on the coding strand, the complement: KCNQ3 is on the minus strand). VCF-style: chr8-132480385-C-G. GRCh37 (hg19) VCF-style: chr8-133492632-C-G.
Other names: short protein forms V50L.
Identifiers: ClinVar variation 1509819 (VCV001509819.3), dbSNP rs1329571058, ClinGen allele CA372292801.

ClinVar aggregate classification (germline): Uncertain significance (1 of 4 stars; one submission).

Conditions:
Benign neonatal seizures. Also called: Benign neonatal familial convulsions; Convulsions benign familial neonatal dominant form; Autosomal dominant form of benign neonatal seizures; Benign familial neonatal epilepsy; Benign familial neonatal seizures. Identifiers: Orphanet 1949, MedGen C0220669, MONDO:0016027.

Allele frequency attached by ClinVar (database versions not stated): gnomAD exomes 0.00001; TOPMed 0.00001.
gnomAD v4.1: 3 of 1,558,164 alleles (0.00019%); highest among the groups gnomAD compares: Non-Finnish European, 0.00026%; no homozygotes.

Submission:

Labcorp Genetics (formerly Invitae), Labcorp
Classification: Uncertain significance for Benign neonatal seizures. Last evaluated: 2021-11-30. Review status: criteria provided, single submitter. Criteria: Invitae Variant Classification Sherloc (09022015). Collection method: clinical testing. Allele origin: germline.
Comment: This sequence change replaces valine, which is neutral and non-polar, with leucine, which is neutral and non-polar, at codon 50 of the KCNQ3 protein (p.Val50Leu). This variant is present in population databases (no rsID available, gnomAD 0.001%). This variant has not been reported in the literature in individuals affected with KCNQ3-related conditions. Advanced modeling of protein sequence and biophysical properties (such as structural, functional, and spatial information, amino acid conservation, physicochemical variation, residue mobility, and thermodynamic stability) performed at Invitae indicates that this missense variant is not expected to disrupt KCNQ3 protein function. In summary, the available evidence is currently insufficient to determine the role of this variant in disease. Therefore, it has been classified as a Variant of Uncertain Significance.